The following is an entry in ClinVar:

NM_001297.5(CNGB1):c.3322C>T (p.Leu1108Phe)

Gene: CNGB1 (cyclic nucleotide gated channel subunit beta 1; minus strand). Cytogenetic location: 16q21.
Variant type: single nucleotide variant.
Coding change: c.3322C>T on transcript NM_001297.5 (MANE Select); coding-DNA position 3322, C replaced by T.
Protein change: p.Leu1108Phe; replaces leucine 1108 with phenylalanine.
Molecular consequence: missense variant.
Genome position (GRCh38, 1-based): chr16:57,887,995, G>A on the plus strand (C>T on the coding strand, the complement: CNGB1 is on the minus strand). VCF-style: chr16-57887995-G-A. GRCh37 (hg19) VCF-style: chr16-57921899-G-A.
Other names: c.3304C>T, p.Leu1102Phe (NM_001286130.2); short protein forms L1102F, L1108F.
Identifiers: ClinVar variation 1477585 (VCV001477585.6), dbSNP rs2149351805, ClinGen allele CA396062166.

ClinVar aggregate classification (germline): Uncertain significance (1 of 4 stars; one submission).

Submission:

Labcorp Genetics (formerly Invitae), Labcorp
Classification: Uncertain significance. Last evaluated: 2025-02-27. Review status: criteria provided, single submitter. Criteria: Invitae Variant Classification Sherloc (09022015). Collection method: clinical testing. Allele origin: germline.
Comment: This sequence change replaces leucine, which is neutral and non-polar, with phenylalanine, which is neutral and non-polar, at codon 1108 of the CNGB1 protein (p.Leu1108Phe). This variant is not present in population databases (gnomAD no frequency). This variant has not been reported in the literature in individuals affected with CNGB1-related conditions. ClinVar contains an entry for this variant (Variation ID: 1477585). Invitae Evidence Modeling of protein sequence and biophysical properties (such as structural, functional, and spatial information, amino acid conservation, physicochemical variation, residue mobility, and thermodynamic stability) indicates that this missense variant is not expected to disrupt CNGB1 protein function with a negative predictive value of 80%. In summary, the available evidence is currently insufficient to determine the role of this variant in disease. Therefore, it has been classified as a Variant of Uncertain Significance.